The following is an entry in ClinVar:

ClinVar aggregate classification (germline): Uncertain significance (1 of 4 stars; one submission).

Conditions:
Bainbridge-Ropers syndrome. Also called: Severe feeding difficulties-failure to thrive-microcephaly due to ASXL3 deficiency syndrome. Identifiers: Orphanet 352577, MedGen C4750837, MONDO:0014205, OMIM 615485.

Submission:

Laboratorio de Genetica e Diagnostico Molecular, Hospital Israelita Albert Einstein
Classification: Uncertain significance for Bainbridge-Ropers syndrome. Last evaluated: 2023-09-28. Review status: criteria provided, single submitter. Criteria: ACMG Guidelines, 2015. Collection method: clinical testing. Allele origin: germline. Affected: yes.
Comment: ACMG classification criteria: PM2 moderate, BP4 supporting

NM_030632.3(ASXL3):c.5617C>A (p.Pro1873Thr)

Gene: ASXL3 (ASXL transcriptional regulator 3; plus strand). Cytogenetic location: 18q12.1.
Variant type: single nucleotide variant.
Coding change: c.5617C>A on transcript NM_030632.3 (MANE Select); coding-DNA position 5617, C replaced by A.
Protein change: p.Pro1873Thr; replaces proline 1873 with threonine.
Molecular consequence: missense variant.
Genome position (GRCh38, 1-based): chr18:33,745,465, C>A. VCF-style: chr18-33745465-C-A. GRCh37 (hg19) VCF-style: chr18-31325429-C-A.
Other names: short protein forms P1873T.
Identifiers: ClinVar variation 3901007 (VCV003901007.1).